The following is an entry in ClinVar:

NM_000487.6(ARSA):c.609_610del (p.Met204fs)

Gene: ARSA (arylsulfatase A; minus strand). Cytogenetic location: 22q13.33.
Variant type: Deletion.
Coding change: c.609_610del on transcript NM_000487.6 (MANE Select); coding-DNA positions 609 to 610, 2 bases deleted (CA; older notation c.609_610delCA).
Protein change: p.Met204fs; shifts the reading frame from methionine 204.
Molecular consequence: frameshift variant.
Genome position (GRCh38, 1-based): chr22:50,626,908-50,626,909, TG deleted on the plus strand (CA on the coding strand, the reverse complement: ARSA is on the minus strand); deleting any 2 consecutive bases within chr22:50,626,908-50,626,910 gives the same sequence; the c. name uses the placement nearest the transcript's 3' end. VCF-style (leftmost placement, unchanged base first): chr22-50626907-ATG-A. GRCh37 (hg19) VCF-style: chr22-51065335-ATG-A.
Other names: c.609_610del, p.Met204fs (NM_001085425.3, NM_001085426.3, NM_001085427.3); c.351_352del, p.Met118fs (NM_001085428.3, NM_001362782.2); short protein forms M118fs, M204fs.
Identifiers: ClinVar variation 1725391 (VCV001725391.2), dbSNP rs2518331282, ClinGen allele CA2580099970.

ClinVar aggregate classification (germline): Likely pathogenic (1 of 4 stars; one submission).

Conditions:
Metachromatic leukodystrophy (MLD). Also called: ARSA DEFICIENCY; CEREBROSIDE SULFATASE DEFICIENCY; METACHROMATIC LEUKOENCEPHALOPATHY; SULFATIDE LIPIDOSIS; Cerebral sclerosis diffuse metachromatic form; Arylsulfatase A Deficiency. Identifiers: Orphanet 512, MedGen C0023522, MONDO:0018868, OMIM 250100.

Submission:

Myriad Genetics, Inc.
Classification: Likely pathogenic for Metachromatic leukodystrophy. Last evaluated: 2021-12-03. Review status: criteria provided, single submitter. Criteria: Myriad Women's Health Autosomal Recessive and X-Linked Classification Criteria (2021). Collection method: clinical testing. Allele origin: unknown.
Comment: NM_000487.5(ARSA):c.609_610delCA(M204Gfs*5) is expected to be pathogenic in the context of metachromatic leukodystrophy. This variant is predicted to lead to an abnormal or absent protein product due to the creation of a premature termination codon in ARSA, a gene where loss-of-function variants are known to be pathogenic. Please note: this variant was assessed in the context of healthy population screening.